The following is an entry in ClinVar:

NM_000310.4(PPT1):c.235-20C>A

Gene: PPT1 (palmitoyl-protein thioesterase 1; minus strand). Cytogenetic location: 1p34.2.
Variant type: single nucleotide variant.
Coding change: c.235-20C>A on transcript NM_000310.4 (MANE Select); 20 bases into the intron before coding-DNA position 235, C replaced by A.
Molecular consequence: intron variant.
Genome position (GRCh38, 1-based): chr1:40,092,192, G>T on the plus strand (C>A on the coding strand, the complement: PPT1 is on the minus strand). VCF-style: chr1-40092192-G-T. GRCh37 (hg19) VCF-style: chr1-40557864-G-T.
Other names: c.125-2680C>A (NM_001142604.2); c.235-20C>A (NM_001363695.2).
Identifiers: ClinVar variation 138797 (VCV000138797.1), dbSNP rs587781123, ClinGen allele CA292906.
Genomic context (GRCh38, chr1:40,092,192, plus strand): 5'-ACTTGGGAATTGACATTCAAGAAGAAGCTGTTCTCCACGTCCTAAAAAAGAAGCCAGAGA[G>T]AAGTGAGAGGATGGGACTGAAAACAACCACTGACATCTTCTCTAAGAGGTAAACTCATTT-3'

ClinVar aggregate classification (germline): Benign (1 of 4 stars; one submission).

Submission:

GeneDx
Classification: Benign. Last evaluated: 2013-08-29. Review status: criteria provided, single submitter. Criteria: GeneDx Variant Classification (06012015). Collection method: clinical testing. Allele origin: germline. Affected: yes.
Comment: This variant is considered likely benign or benign based on one or more of the following criteria: it is a conservative change, it occurs at a poorly conserved position in the protein, it is predicted to be benign by multiple in silico algorithms, and/or has population frequency not consistent with disease.